The following is an entry in ClinVar:

NM_000474.4(TWIST1):c.416C>T (p.Pro139Leu)

Gene: TWIST1 (twist family bHLH transcription factor 1; minus strand). Cytogenetic location: 7p21.1.
Variant type: single nucleotide variant.
Coding change: c.416C>T on transcript NM_000474.4 (MANE Select); coding-DNA position 416, C replaced by T.
Protein change: p.Pro139Leu; replaces proline 139 with leucine.
Molecular consequence: missense variant. On other transcripts: non-coding transcript variant (1).
Genome position (GRCh38, 1-based): chr7:19,116,906, G>A on the plus strand (C>T on the coding strand, the complement: TWIST1 is on the minus strand). VCF-style: chr7-19116906-G-A. GRCh37 (hg19) VCF-style: chr7-19156529-G-A.
Other names: short protein forms P139L.
Identifiers: ClinVar variation 935674 (VCV000935674.10), dbSNP rs1788580776, ClinGen allele CA367015486.

ClinVar aggregate classification (germline): Likely pathogenic. Review status: criteria provided, multiple submitters, no conflicts (2 of 4 stars). 3 submissions from 3 submitters: Likely pathogenic (3). Last evaluated 2026-06-12.

Conditions:
Saethre-Chotzen syndrome (SCS). Also called: ACROCEPHALY, SKULL ASYMMETRY, AND MILD SYNDACTYLY; CHOTZEN SYNDROME; ACS III. Identifiers: Orphanet 794, MedGen C0175699, MONDO:0007042, OMIM 101400.
TWIST1-related craniosynostosis (CRS1). Also called: CRANIOSYNOSTOSIS 1. Identifiers: Orphanet 63440, MedGen C4551902, MONDO:0007399, OMIM 123100. Inheritance: Heterogenous inheritance pattern.
Common craniosynostosis syndromes.
TWIST1-related disorder.

Submissions (3):

Genetics Laboratory, Great Ormond Street Hospital NHS Foundation Trust, North Thames Genomic Laboratory Hub
Classification: Likely pathogenic for Common craniosynostosis syndromes. Last evaluated: 2026-06-12. Review status: criteria provided, single submitter. Criteria: ACGS Best Practice Guidelines for Variant Classification in Rare Disease 2024 v1.2. Collection method: clinical testing. Allele origin: germline. Affected: yes.
Comment: PS4_moderate, PM2_moderate, PP3_supporting, PP2_supporting

PreventionGenetics, part of Exact Sciences
Classification: Likely pathogenic for TWIST1-related condition. Last evaluated: 2026-05-15. Review status: criteria provided, single submitter. Criteria: ACMG Guidelines, 2015. Collection method: clinical testing. Allele origin: germline.
Comment: The TWIST1 c.416C>T variant is predicted to result in the amino acid substitution p.Pro139Leu. This variant has been reported in an individual with Saethre-Chotzen syndrome (Chun et al. 2002. PubMed ID: 12116251). This variant has not been reported in a large population database (gnomAD), indicating this variant is rare. Alternate missense changes at the same amino acid position (Pro139Ser, Pro139His, Pro139Thr) have been reported in four individuals with TWIST1-related disease (Paznekas et al. 1998. PubMed ID: 9585583; Elanko et al. 2001. PubMed ID: 11748846; Woods et al. 2009. PubMed ID: 19483581; Díez de Los Ríos Quintanero et al. 2021. PubMed ID: 33749202). This variant is interpreted as likely pathogenic.

Labcorp Genetics (formerly Invitae), Labcorp
Classification: Likely pathogenic for TWIST1-related craniosynostosis; Saethre-Chotzen syndrome. Last evaluated: 2022-04-07. Review status: criteria provided, single submitter. Criteria: Invitae Variant Classification Sherloc (09022015). Collection method: clinical testing. Allele origin: germline.
Comment: This sequence change replaces proline, which is neutral and non-polar, with leucine, which is neutral and non-polar, at codon 139 of the TWIST1 protein (p.Pro139Leu). This variant is not present in population databases (gnomAD no frequency). This missense change has been observed in individuals with TWIST1-related conditions (PMID: 12116251; Invitae). ClinVar contains an entry for this variant (Variation ID: 935674). Algorithms developed to predict the effect of missense changes on protein structure and function (SIFT, PolyPhen-2, Align-GVGD) all suggest that this variant is likely to be disruptive. This variant disrupts the p.Pro139 amino acid residue in TWIST1. Other variant(s) that disrupt this residue have been determined to be pathogenic (PMID: 9585583, 25271085). This suggests that this residue is clinically significant, and that variants that disrupt this residue are likely to be disease-causing. In summary, the currently available evidence indicates that the variant is pathogenic, but additional data are needed to prove that conclusively. Therefore, this variant has been classified as Likely Pathogenic.

Literature cited by the submitters: PubMed 12116251 (cited by Labcorp Genetics (formerly Invitae), Labcorp); PubMed 9585583 (cited by Labcorp Genetics (formerly Invitae), Labcorp); PubMed 25271085 (cited by Labcorp Genetics (formerly Invitae), Labcorp).